The following is an entry in ClinVar:

NM_000535.7(PMS2):c.131A>G (p.Glu44Gly)

Gene: PMS2 (PMS1 homolog 2, mismatch repair system component; minus strand). Cytogenetic location: 7p22.1.
Variant type: single nucleotide variant.
Coding change: c.131A>G on transcript NM_000535.7 (MANE Select); coding-DNA position 131, A replaced by G.
Protein change: p.Glu44Gly; replaces glutamic acid 44 with glycine.
Molecular consequence: missense variant. On other transcripts: 5 prime UTR variant (8), non-coding transcript variant (1), intron variant (3).
Genome position (GRCh38, 1-based): chr7:6,005,924, T>C on the plus strand (A>G on the coding strand, the complement: PMS2 is on the minus strand). VCF-style: chr7-6005924-T-C. GRCh37 (hg19) VCF-style: chr7-6045555-T-C.
Other names: c.-275A>G (NM_001322003.2, NM_001322005.2, NM_001322009.2 and 1 more transcripts); c.131A>G, p.Glu44Gly (NM_001322006.2, NM_001322014.2); c.-85A>G (NM_001322007.2); c.-754A>G (NM_001322011.2, NM_001322012.2); c.-354A>G (NM_001322015.2); c.-52-1866A>G (NM_001322008.2); c.-242-1866A>G (NM_001322010.2, NM_001322004.2); short protein forms E44G.
Identifiers: ClinVar variation 851264 (VCV000851264.14), dbSNP rs876659955, ClinGen allele CA366745005.
Genomic context (GRCh38, chr7:6,005,924, plus strand): 5'-TTGTGGCTTAAAACTCTCCCAAACTTACCAATATTAGTGGCACCAGCATCCAGACTGTTT[T>C]CTACTAACTCCTTTACCGCAGTGCTTAGACTCAGTACCACCTGCCCAGAGCAAATCTGAT-3'
Protein context (NP_000526.2, residues 34-54): SLSTAVKELV[Glu44Gly]NSLDAGATNI

ClinVar aggregate classification (germline): Uncertain significance. Review status: criteria provided, multiple submitters, no conflicts (2 of 4 stars). 3 submissions from 3 submitters: Uncertain significance (3). Last evaluated 2026-08-17.

Conditions:
Hereditary nonpolyposis colorectal neoplasms. Identifiers: MedGen C0009405, MeSH D003123.
Hereditary cancer-predisposing syndrome. Also called: Tumor predisposition; Hereditary neoplastic syndrome; Neoplastic Syndromes, Hereditary; Hereditary Cancer Syndrome. Identifiers: Orphanet 140162, MedGen C0027672, MeSH D009386, MONDO:0015356.
Lynch syndrome 4 (LYNCH4). Also called: Hereditary non-polyposis colorectal cancer, type 4; Colorectal cancer, hereditary nonpolyposis, type 4. Identifiers: Orphanet 144, MedGen C1838333, MONDO:0013699, OMIM 614337. Disease mechanism: loss of function.

Submissions (3):

Ambry Genetics
Classification: Uncertain significance for Hereditary cancer-predisposing syndrome. Last evaluated: 2026-08-17. Review status: criteria provided, single submitter. Criteria: Ambry Variant Classification Scheme 2023. Collection method: clinical testing. Allele origin: germline.
Comment: The p.E44G variant (also known as c.131A>G), located in coding exon 2 of the PMS2 gene, results from an A to G substitution at nucleotide position 131. The glutamic acid at codon 44 is replaced by glycine, an amino acid with similar properties. This amino acid position is highly conserved in available vertebrate species. In addition, this alteration is predicted to be deleterious by in silico analysis. Based on the available evidence, the clinical significance of this variant remains unclear.

Institute of Human Genetics, University of Goettingen
Classification: Uncertain significance for Lynch syndrome 4. Last evaluated: 2025-01-02. Review status: criteria provided, single submitter. Criteria: ACMG Guidelines, 2015. Collection method: clinical testing. Allele origin: germline. Inheritance: Autosomal dominant inheritance. Affected: yes.

Labcorp Genetics (formerly Invitae), Labcorp
Classification: Uncertain significance for Hereditary nonpolyposis colorectal neoplasms. Last evaluated: 2022-07-01. Review status: criteria provided, single submitter. Criteria: Invitae Variant Classification Sherloc (09022015). Collection method: clinical testing. Allele origin: germline.
Comment: In summary, the available evidence is currently insufficient to determine the role of this variant in disease. Therefore, it has been classified as a Variant of Uncertain Significance. Advanced modeling of protein sequence and biophysical properties (such as structural, functional, and spatial information, amino acid conservation, physicochemical variation, residue mobility, and thermodynamic stability) performed at Invitae indicates that this missense variant is expected to disrupt PMS2 protein function. ClinVar contains an entry for this variant (Variation ID: 851264). This variant has not been reported in the literature in individuals affected with PMS2-related conditions. This variant is not present in population databases (gnomAD no frequency). This sequence change replaces glutamic acid, which is acidic and polar, with glycine, which is neutral and non-polar, at codon 44 of the PMS2 protein (p.Glu44Gly).